The following is an entry in ClinVar:

NM_000533.5(PLP1):c.454-1G>A

Genes: PLP1 (proteolipid protein 1; plus strand), RAB9B (RAB9B, member RAS oncogene family; minus strand). Cytogenetic location: Xq22.2.
Variant type: single nucleotide variant.
Coding change: c.454-1G>A on transcript NM_000533.5 (MANE Select); the canonical splice acceptor site of the intron before coding-DNA position 454, G replaced by A.
Molecular consequence: splice acceptor variant.
Genome position (GRCh38, 1-based): chrX:103,787,797, G>A. VCF-style: chrX-103787797-G-A. GRCh37 (hg19) VCF-style: chrX-103042726-G-A.
Other names: c.454-1G>A (NM_001128834.3); c.349-1G>A (NM_199478.3); c.289-1G>A (NM_001305004.1).
Identifiers: ClinVar variation 2581156 (VCV002581156.4), dbSNP rs2522313994, ClinGen allele CA414103541.
Genomic context (GRCh38, chrX:103,787,797, plus strand): 5'-TTGTGTTTCTACATCTGCAGGCTGATGCTGATTTCTAACCACCCCATGTCAATCATTTTA[G>A]TTTGTGGGCATCACCTATGCCCTGACCGTTGTGTGGCTCCTGGTGTTTGCCTGCTCTGCT-3'

ClinVar aggregate classification (germline): Pathogenic. Review status: criteria provided, multiple submitters, no conflicts (2 of 4 stars). 2 submissions from 2 submitters: Pathogenic (2).

Conditions:
Pelizaeus-Merzbacher disease. Also called: LEUKODYSTROPHY, HYPOMYELINATING, 1; Sudanophilic leukodystrophy; Pelizaeus-Merzbacher spectrum disorder; Pelizaeus-Merzbacher Disease (PMD); Pelizeaus-Merzbacher spectrum disorder. Identifiers: Orphanet 702, MedGen C0205711, MONDO:0010714, OMIM 312080, HP:0003269.

Submissions (2):

Molecular Diagnostics Lab, Nemours Children's Health, Delaware
Classification: Pathogenic for Pelizaeus-Merzbacher disease. Review status: criteria provided, single submitter. Criteria: ACMG Guidelines, 2015. Collection method: clinical testing. Allele origin: unknown. Affected: yes. Observed: 1 hemizygote.
Comment: This intronic variant (c.454-1G>A) is predicted to alter proper splicing of the PLP1 mRNA. It has not been observed in population databases (gnomAD). The change has been reported in the literature (PMID 12601703), but no functional studies have been published.

Suma Genomics
Classification: Pathogenic for Pelizaeus-Merzbacher disease. Review status: criteria provided, single submitter. Criteria: ACMG Guidelines, 2015. Collection method: clinical testing. Allele origin: germline. Inheritance: X-linked inheritance. Affected: yes. Observed: 1 hemizygote.

Literature cited by the submitters: PubMed 12601703 (cited by Molecular Diagnostics Lab, Nemours Children's Health, Delaware).